The following is an entry in ClinVar:

NM_001379659.1(ZNF142):c.4235G>A (p.Arg1412Gln)

Gene: ZNF142 (zinc finger protein 142; minus strand). Cytogenetic location: 2q35.
Variant type: single nucleotide variant.
Coding change: c.4235G>A on transcript NM_001379659.1 (MANE Select); coding-DNA position 4235, G replaced by A.
Protein change: p.Arg1412Gln; replaces arginine 1412 with glutamine.
Molecular consequence: missense variant.
Genome position (GRCh38, 1-based): chr2:218,642,881, C>T on the plus strand (G>A on the coding strand, the complement: ZNF142 is on the minus strand). VCF-style: chr2-218642881-C-T. GRCh37 (hg19) VCF-style: chr2-219507604-C-T.
Other names: c.3146G>A, p.Arg1049Gln (NM_001366288.3, NM_001366289.3, NM_001366287.3); c.4235G>A, p.Arg1412Gln (NM_001366290.3, NM_001379660.1, NM_001379661.1); c.3635G>A, p.Arg1212Gln (NM_001366291.3, NM_001105537.5, NM_001379662.1); short protein forms R1049Q, R1212Q, R1412Q.
Identifiers: ClinVar variation 2578056 (VCV002578056.2), dbSNP rs374587127, ClinGen allele CA2108822.

ClinVar aggregate classification (germline): Uncertain significance. Review status: criteria provided, multiple submitters, no conflicts (2 of 4 stars). 2 submissions from 2 submitters: Uncertain significance (2). Last evaluated 2025-01-18.

Conditions:
Inborn genetic diseases. Identifiers: MedGen C0950123, MeSH D030342.

Allele frequency attached by ClinVar (database versions not stated): ESP Exome Variant Server 0.00008.
gnomAD v4.1: 27 of 1,613,982 alleles (0.0017%); highest among the groups gnomAD compares: Admixed American, 0.012%; no homozygotes.

Submissions (2):

Ambry Genetics
Classification: Uncertain significance for Inborn genetic diseases. Last evaluated: 2025-01-18. Review status: criteria provided, single submitter. Criteria: Ambry Variant Classification Scheme 2023. Collection method: clinical testing. Allele origin: germline.

GeneDx
Classification: Uncertain significance. Last evaluated: 2023-03-02. Review status: criteria provided, single submitter. Criteria: GeneDx Variant Classification Process June 2021. Collection method: clinical testing. Allele origin: germline. Affected: yes.
Comment: In silico analysis supports that this missense variant does not alter protein structure/function; Has not been previously published as pathogenic or benign to our knowledge